The following is an entry in ClinVar:

ClinVar aggregate classification (germline): Uncertain significance (1 of 4 stars; one submission).

Conditions:
Kabuki syndrome. Also called: NIIKAWA-KUROKI SYNDROME; Kabuki make-up syndrome. Identifiers: Orphanet 2322, MedGen C0796004, MONDO:0016512.

Submission:

Labcorp Genetics (formerly Invitae), Labcorp
Classification: Uncertain significance for Kabuki syndrome. Last evaluated: 2024-02-16. Review status: criteria provided, single submitter. Criteria: Invitae Variant Classification Sherloc (09022015). Collection method: clinical testing. Allele origin: germline.
Comment: This sequence change replaces proline, which is neutral and non-polar, with arginine, which is basic and polar, at codon 674 of the KMT2D protein (p.Pro674Arg). This variant is not present in population databases (gnomAD no frequency). This variant has not been reported in the literature in individuals affected with KMT2D-related conditions. Advanced modeling of protein sequence and biophysical properties (such as structural, functional, and spatial information, amino acid conservation, physicochemical variation, residue mobility, and thermodynamic stability) performed at Invitae indicates that this missense variant is not expected to disrupt KMT2D protein function with a negative predictive value of 95%. In summary, the available evidence is currently insufficient to determine the role of this variant in disease. Therefore, it has been classified as a Variant of Uncertain Significance.

NM_003482.4(KMT2D):c.2021C>G (p.Pro674Arg)

Gene: KMT2D (lysine methyltransferase 2D; minus strand). Cytogenetic location: 12q13.12.
Variant type: single nucleotide variant.
Coding change: c.2021C>G on transcript NM_003482.4 (MANE Select); coding-DNA position 2021, C replaced by G.
Protein change: p.Pro674Arg; replaces proline 674 with arginine.
Molecular consequence: missense variant.
Genome position (GRCh38, 1-based): chr12:49,051,662, G>C on the plus strand (C>G on the coding strand, the complement: KMT2D is on the minus strand). VCF-style: chr12-49051662-G-C. GRCh37 (hg19) VCF-style: chr12-49445445-G-C.
Other names: short protein forms P674R.
Identifiers: ClinVar variation 3635170 (VCV003635170.2).